The following is an entry in ClinVar:

ClinVar aggregate classification (germline): Conflicting classifications of pathogenicity. Review status: criteria provided, conflicting classifications (1 of 4 stars). 3 submissions from 3 submitters: Uncertain significance (1); Likely benign (2). Last evaluated 2026-02-26.

Conditions:
DMRT2-related disorder. Also called: DMRT2-related condition.

Allele frequency attached by ClinVar (database versions not stated): gnomAD exomes 0.00029; 1000 Genomes Project 30x 0.00047.
gnomAD v4.1: 66 of 1,382,734 alleles (0.0048%); highest among the groups gnomAD compares: East Asian, 0.11%; 1 homozygote.

Submissions (3):

PreventionGenetics, part of Exact Sciences
Classification: Likely benign for DMRT2-related condition. Last evaluated: 2026-02-26. Review status: criteria provided, single submitter. Criteria: ACMG Guidelines, 2015. Collection method: clinical testing. Allele origin: germline.
Comment: This variant is classified as likely benign based on ACMG/AMP sequence variant interpretation guidelines (Richards et al. 2015 PMID: 25741868, with internal and published modifications).

Labcorp Genetics (formerly Invitae), Labcorp
Classification: Likely benign. Last evaluated: 2025-12-15. Review status: criteria provided, single submitter. Criteria: Invitae Variant Classification Sherloc (09022015). Collection method: clinical testing. Allele origin: germline.

Ambry Genetics
Classification: Uncertain significance. Last evaluated: 2023-04-18. Review status: criteria provided, single submitter. Criteria: Ambry Variant Classification Scheme 2023. Collection method: clinical testing. Allele origin: germline.

NM_181872.6(DMRT2):c.257C>A (p.Pro86Gln)

Gene: DMRT2 (doublesex and mab-3 related transcription factor 2; plus strand). Cytogenetic location: 9p24.3.
Variant type: single nucleotide variant.
Coding change: c.257C>A on transcript NM_181872.6 (MANE Select); coding-DNA position 257, C replaced by A.
Protein change: p.Pro86Gln; replaces proline 86 with glutamine.
Molecular consequence: missense variant. On other transcripts: 5 prime UTR variant (1), non-coding transcript variant (1).
Genome position (GRCh38, 1-based): chr9:1,051,870, C>A. VCF-style: chr9-1051870-C-A. GRCh37 (hg19) VCF-style: chr9-1051870-C-A.
Other names: c.257C>A (NM_181872.4, NM_006557.6); c.257C>A, p.Pro86Gln (NM_001130865.3, NM_001370531.1, NM_001370533.1 and 4 more transcripts); c.-394C>A (NM_001370532.1); short protein forms P86Q.
Identifiers: ClinVar variation 1412841 (VCV001412841.10), dbSNP rs975457368, ClinGen allele CA187867237.
Genomic context (GRCh38, chr9:1,051,870, plus strand): 5'-AGGAGGCAGGCGCGTCCCCCGGGATGCCCGGCCAGCCGGAGCAGCGGGGGGGACCGCAGC[C>A]GAGGCCGCCGCTCGCGCCTCAGGCCTCACCCGCCGGCACCGGTCCCCGAGAGCGCTGCAC-3'
Protein context (NP_870987.2, residues 76-96): GQPEQRGGPQ[Pro86Gln]RPPLAPQASP